The following is an entry in ClinVar:

NM_001164508.2(NEB):c.1153-2A>T

Gene: NEB (nebulin; minus strand). Cytogenetic location: 2q23.3.
Variant type: single nucleotide variant.
Coding change: c.1153-2A>T on transcript NM_001164508.2 (MANE Select); the canonical splice acceptor site of the intron before coding-DNA position 1153, A replaced by T.
Molecular consequence: splice acceptor variant.
Genome position (GRCh38, 1-based): chr2:151,697,650, T>A on the plus strand (A>T on the coding strand, the complement: NEB is on the minus strand). VCF-style: chr2-151697650-T-A. GRCh37 (hg19) VCF-style: chr2-152554164-T-A.
Other names: c.1153-2A>T (NM_004543.5, NM_001164507.2, NM_001271208.2).
Identifiers: ClinVar variation 1475686 (VCV001475686.6), dbSNP rs1553609515, ClinGen allele CA348826046.

ClinVar aggregate classification (germline): Likely pathogenic (1 of 4 stars; one submission).

Conditions:
Nemaline myopathy 2 (NEM2). Also called: Nemaline myopathy 2, autosomal recessive. Identifiers: MedGen C1850569, MONDO:0009725, OMIM 256030.

Submission:

Labcorp Genetics (formerly Invitae), Labcorp
Classification: Likely pathogenic for Nemaline myopathy 2. Last evaluated: 2021-11-05. Review status: criteria provided, single submitter. Criteria: Invitae Variant Classification Sherloc (09022015). Collection method: clinical testing. Allele origin: germline.
Comment: In summary, the currently available evidence indicates that the variant is pathogenic, but additional data are needed to prove that conclusively. Therefore, this variant has been classified as Likely Pathogenic. Algorithms developed to predict the effect of sequence changes on RNA splicing suggest that this variant may disrupt the consensus splice site. This variant has not been reported in the literature in individuals affected with NEB-related conditions. This variant is not present in population databases (gnomAD no frequency). This sequence change affects an acceptor splice site in intron 13 of the NEB gene. It is expected to disrupt RNA splicing. Variants that disrupt the donor or acceptor splice site typically lead to a loss of protein function (PMID: 16199547), and loss-of-function variants in NEB are known to be pathogenic (PMID: 25205138).

Literature cited by the submitters: PubMed 16199547; PubMed 25205138.